The following is an entry in ClinVar:

NM_002439.5(MSH3):c.3044G>T (p.Cys1015Phe)

Gene: MSH3 (mutS homolog 3; plus strand). Cytogenetic location: 5q14.1.
Variant type: single nucleotide variant.
Coding change: c.3044G>T on transcript NM_002439.5 (MANE Select); coding-DNA position 3044, G replaced by T.
Protein change: p.Cys1015Phe; replaces cysteine 1015 with phenylalanine.
Molecular consequence: missense variant.
Genome position (GRCh38, 1-based): chr5:80,864,856, G>T. VCF-style: chr5-80864856-G-T. GRCh37 (hg19) VCF-style: chr5-80160675-G-T.
Other names: short protein forms C1015F.
Identifiers: ClinVar variation 1482337 (VCV001482337.6), dbSNP rs2112118419, ClinGen allele CA360346200.

ClinVar aggregate classification (germline): Uncertain significance (1 of 4 stars; one submission).

gnomAD v4.1: 1 of 1,613,458 alleles (0.000062%); highest among the groups gnomAD compares: Non-Finnish European, 0.000085%; no homozygotes.

Submission:

Labcorp Genetics (formerly Invitae), Labcorp
Classification: Uncertain significance. Last evaluated: 2021-10-16. Review status: criteria provided, single submitter. Criteria: Invitae Variant Classification Sherloc (09022015). Collection method: clinical testing. Allele origin: germline.
Comment: This sequence change replaces cysteine with phenylalanine at codon 1015 of the MSH3 protein (p.Cys1015Phe). The cysteine residue is moderately conserved and there is a large physicochemical difference between cysteine and phenylalanine. In summary, the available evidence is currently insufficient to determine the role of this variant in disease. Therefore, it has been classified as a Variant of Uncertain Significance. Algorithms developed to predict the effect of missense changes on protein structure and function are either unavailable or do not agree on the potential impact of this missense change (SIFT: "Tolerated"; PolyPhen-2: "Probably Damaging"; Align-GVGD: "Class C0"). This variant has not been reported in the literature in individuals affected with MSH3-related conditions. This variant is not present in population databases (ExAC no frequency).